The following is an entry in ClinVar:

NM_000428.3(LTBP2):c.4467T>C (p.Cys1489=)

Gene: LTBP2 (latent transforming growth factor beta binding protein 2; minus strand). Cytogenetic location: 14q24.3.
Variant type: single nucleotide variant.
Coding change: c.4467T>C on transcript NM_000428.3 (MANE Select); coding-DNA position 4467, T replaced by C.
Protein change: p.Cys1489=; no amino-acid change (cysteine 1489 retained).
Molecular consequence: synonymous variant.
Genome position (GRCh38, 1-based): chr14:74,504,041, A>G on the plus strand (T>C on the coding strand, the complement: LTBP2 is on the minus strand). VCF-style: chr14-74504041-A-G. GRCh37 (hg19) VCF-style: chr14-74970744-A-G.
Identifiers: ClinVar variation 314274 (VCV000314274.40), dbSNP rs80088294, ClinGen allele CA7268746.
Genomic context (GRCh38, chr14:74,504,041, plus strand): 5'-ATAACCAGGCACGGTGTTGAGGCACCGGCCGTTCGGGCAGAGACCAGGCCCGAATATCAC[A>G]CACTCATCCGCATCTGTGGAAGGCAGAGCTGAGGTGAGAGGAAGGTGAGAGGCAGTATGA-3'
Protein context (NP_000419.1, residues 1479-1499): GQTMYTDADE[Cys1489=]VIFGPGLCPN

ClinVar aggregate classification (germline): Conflicting classifications of pathogenicity. Review status: criteria provided, conflicting classifications (1 of 4 stars). 6 submissions from 5 submitters: Uncertain significance (1); Benign (1); Likely benign (3). 1 of the submissions does not count toward it. Last evaluated 2026-01-21.

Conditions:
LTBP2-related disorder. Also called: LTBP2-related disorders; LTBP2-related condition.
Weill-Marchesani syndrome. Also called: WM Syndrome; Mesodermal dysmorphodystrophy congenital. Identifiers: Orphanet 3449, MedGen C0265313, MONDO:0018096.
Glaucoma 3, primary congenital, D. Identifiers: Orphanet 98976, MedGen C2751316, MONDO:0013122, OMIM 613086.

Allele frequency attached by ClinVar (database versions not stated): gnomAD exomes 0.00014 and 0.00041; ExAC 0.00059; 1000 Genomes Project 0.00140; gnomAD 0.00154 and 0.00165; 1000 Genomes Project 30x 0.00156; TOPMed 0.00165; ESP Exome Variant Server 0.00192.
gnomAD v4.1: 454 of 1,613,960 alleles (0.028%); highest among the groups gnomAD compares: African/African-American, 0.47%; no homozygotes.

Submissions (6):

Labcorp Genetics (formerly Invitae), Labcorp
Classification: Benign. Last evaluated: 2026-01-21. Review status: criteria provided, single submitter. Criteria: Invitae Variant Classification Sherloc (09022015). Collection method: clinical testing. Allele origin: germline.

Blueprint Genetics
Classification: Likely benign. Last evaluated: 2024-07-18. Review status: criteria provided, single submitter. Criteria: ACMG Guidelines, 2015. Collection method: clinical testing. Allele origin: germline.

CeGaT Center for Human Genetics Tuebingen
Classification: Likely benign. Last evaluated: 2022-06-01. Review status: criteria provided, single submitter. Criteria: CeGaT Center For Human Genetics Tuebingen Variant Classification Criteria Version 2. Collection method: clinical testing. Allele origin: germline. Affected: yes. Observed: 1 variant allele.
Comment: LTBP2: BP4, BP7

Illumina Laboratory Services, Illumina
Classification: Likely benign for Weill-Marchesani syndrome. Last evaluated: 2018-01-12. Review status: criteria provided, single submitter. Criteria: ICSL Variant Classification Criteria 13 December 2019. Collection method: clinical testing. Allele origin: germline.
Comment: This variant was observed in the ICSL laboratory as part of a predisposition screen in an ostensibly healthy population. It had not been previously curated by ICSL or reported in the Human Gene Mutation Database (HGMD: prior to June 1st, 2018), and was therefore a candidate for classification through an automated scoring system. Utilizing variant allele frequency, disease prevalence and penetrance estimates, and inheritance mode, an automated score was calculated to assess if this variant is too frequent to cause the disease. Based on the score and internal cut-off values, a variant classified as likely benign is not then subjected to further curation. The score for this variant resulted in a classification of likely benign for this disease.

Illumina Laboratory Services, Illumina
Classification: Uncertain significance for Glaucoma 3, primary congenital, D. Last evaluated: 2018-01-12. Review status: criteria provided, single submitter. Criteria: ICSL Variant Classification Criteria 13 December 2019. Collection method: clinical testing. Allele origin: germline.

PreventionGenetics, part of Exact Sciences
Classification: Likely benign for LTBP2-related condition. Last evaluated: 2020-12-03. Review status: no assertion criteria provided. Collection method: clinical testing. Allele origin: germline. Not counted in ClinVar's aggregate classification.
Comment: This variant is classified as likely benign based on ACMG/AMP sequence variant interpretation guidelines (Richards et al. 2015 PMID: 25741868, with internal and published modifications).